The following is an entry in ClinVar:

NM_000059.4(BRCA2):c.4247A>G (p.Gln1416Arg)

Gene: BRCA2 (BRCA2 DNA repair associated; plus strand). Cytogenetic location: 13q13.1.
Variant type: single nucleotide variant.
Coding change: c.4247A>G on transcript NM_000059.4 (MANE Select); coding-DNA position 4247, A replaced by G.
Protein change: p.Gln1416Arg; replaces glutamine 1416 with arginine.
Molecular consequence: missense variant.
Genome position (GRCh38, 1-based): chr13:32,338,602, A>G. VCF-style: chr13-32338602-A-G. GRCh37 (hg19) VCF-style: chr13-32912739-A-G.
Other names: c.4247A>G, p.Gln1416Arg (NM_001406719.1, NM_001406720.1); short protein forms Q1416R.
Identifiers: ClinVar variation 2120537 (VCV002120537.8), dbSNP rs2072499770, ClinGen allele CA387780419.

ClinVar aggregate classification (germline): Conflicting classifications of pathogenicity. Review status: criteria provided, conflicting classifications (1 of 4 stars). 4 submissions from 4 submitters: Uncertain significance (3); Likely benign (1). Last evaluated 2025-08-01.

Conditions:
Hereditary cancer-predisposing syndrome. Also called: Hereditary Cancer Syndrome; Tumor predisposition; Neoplastic Syndromes, Hereditary; Hereditary neoplastic syndrome. Identifiers: Orphanet 140162, MedGen C0027672, MeSH D009386, MONDO:0015356.
Hereditary breast ovarian cancer syndrome. Also called: Hereditary breast and ovarian cancer syndrome (HBOC); Hereditary breast and/or ovarian cancer syndrome; Hereditary breast and ovarian cancer; BRCA1- and BRCA2-Associated Hereditary Breast and Ovarian Cancer; Breast and ovarian cancer; Hereditary breast and ovarian cancer syndrome. Identifiers: Orphanet 145, MedGen C0677776, MeSH D061325, MONDO:0003582. Disease mechanism: loss of function.
BRCA2-related cancer predisposition. Identifiers: MedGen CN377758, MONDO:0700269.

Submissions (4):

Ambry Genetics
Classification: Uncertain significance for Hereditary cancer-predisposing syndrome. Last evaluated: 2025-08-01. Review status: criteria provided, single submitter. Criteria: Ambry Variant Classification Scheme 2023. Collection method: clinical testing. Allele origin: germline.
Comment: The p.Q1416R variant (also known as c.4247A>G), located in coding exon 10 of the BRCA2 gene, results from an A to G substitution at nucleotide position 4247. The glutamine at codon 1416 is replaced by arginine, an amino acid with highly similar properties. This amino acid position is not well conserved in available vertebrate species. In addition, this alteration is predicted to be tolerated by in silico analysis. Based on the available evidence, the clinical significance of this variant remains unclear.

All of Us Research Program, National Institutes of Health
Classification: Uncertain significance for BRCA2-related cancer predisposition. Last evaluated: 2024-05-30. Review status: criteria provided, single submitter. Criteria: ACMG Guidelines, 2015. Collection method: clinical testing. Allele origin: germline. Inheritance: Autosomal dominant inheritance. Observed: 1 variant allele, 1 heterozygote.
Comment: This missense variant replaces glutamine with arginine at codon 1416 of the BRCA2 protein. Computational prediction suggests that this variant may not impact protein structure and function. To our knowledge, functional studies have not been reported for this variant. This variant has not been reported in individuals affected with BRCA2-related disorders in the literature. This variant has not been identified in the general population by the Genome Aggregation Database (gnomAD). The available evidence is insufficient to determine the role of this variant in disease conclusively. Therefore, this variant is classified as a Variant of Uncertain Significance.

This study involves interpretation of variants in research participants for the purpose of population health screening. Participant phenotype was not available at the time of variant classification. Additional details can be found in publication PMID: 35346344, PMCID: PMC8962531

University of Washington Department of Laboratory Medicine, University of Washington
Classification: Likely benign for Hereditary cancer-predisposing syndrome. Last evaluated: 2023-03-23. Review status: criteria provided, single submitter. Criteria: Dines et al. (Genet Med. 2020). Collection method: curation. Allele origin: germline.
Comment: Missense variant in a coldspot region where missense variants are very unlikely to be pathogenic (PMID:31911673).

BRCA2 exon 11 coldspot. Reclassification based on statistical prior probability.

Labcorp Genetics (formerly Invitae), Labcorp
Classification: Uncertain significance for Hereditary breast ovarian cancer syndrome. Last evaluated: 2022-08-04. Review status: criteria provided, single submitter. Criteria: Invitae Variant Classification Sherloc (09022015). Collection method: clinical testing. Allele origin: germline.
Comment: In summary, the available evidence is currently insufficient to determine the role of this variant in disease. Therefore, it has been classified as a Variant of Uncertain Significance. Advanced modeling of protein sequence and biophysical properties (such as structural, functional, and spatial information, amino acid conservation, physicochemical variation, residue mobility, and thermodynamic stability) performed at Invitae indicates that this missense variant is not expected to disrupt BRCA2 protein function. This variant has not been reported in the literature in individuals affected with BRCA2-related conditions. This variant is not present in population databases (gnomAD no frequency). This sequence change replaces glutamine, which is neutral and polar, with arginine, which is basic and polar, at codon 1416 of the BRCA2 protein (p.Gln1416Arg).